The following is an entry in ClinVar:

NM_000235.4(LIPA):c.*608C>T

Gene: LIPA (lipase A, lysosomal acid type; minus strand). Cytogenetic location: 10q23.31.
Variant type: single nucleotide variant.
Coding change: c.*608C>T on transcript NM_000235.4 (MANE Select); 608 bases downstream of the stop codon, C replaced by T.
Molecular consequence: 3 prime UTR variant.
Genome position (GRCh38, 1-based): chr10:89,214,220, G>A on the plus strand (C>T on the coding strand, the complement: LIPA is on the minus strand). VCF-style: chr10-89214220-G-A. GRCh37 (hg19) VCF-style: chr10-90973977-G-A.
Other names: c.*608C>T (NM_001127605.3, NM_001288979.2).
Identifiers: ClinVar variation 879959 (VCV000879959.5), dbSNP rs9664201, ClinGen allele CA211360046.
Genomic context (GRCh38, chr10:89,214,220, plus strand): 5'-AGTGCAATTTGTTTTTGAAGACGCCGGAAAACTATTTCATTTAACCTGAGCAATTAAAAC[G>A]TGTCAAATCACAGCTGTCACAGTTAGGTTTGATAAAATTAATTGTTAGCATCCTTATTAC-3'

ClinVar aggregate classification (germline): Likely benign (1 of 4 stars; one submission).

Conditions:
Lysosomal acid lipase deficiency. Also called: Acid cholesteryl ester hydrolase deficiency, type 2. Identifiers: Orphanet 275761, MedGen C5574740, MONDO:0800449, MONDO:0010204.

Allele frequency attached by ClinVar (database versions not stated): 1000 Genomes Project 0.00359; 1000 Genomes Project 30x 0.00406; gnomAD 0.00414 and 0.00443; TOPMed 0.00432.

Submission:

Illumina Laboratory Services, Illumina
Classification: Likely benign for Cholesteryl ester storage disease. Last evaluated: 2017-04-27. Review status: criteria provided, single submitter. Criteria: ICSL Variant Classification Criteria 13 December 2019. Collection method: clinical testing. Allele origin: germline.
Comment: This variant was observed as part of a predisposition screen in an ostensibly healthy population. A literature search was performed for the gene, cDNA change, and amino acid change (where applicable). No publications were found based on this search. Allele frequency data from public databases allowed determination this variant is unlikely to cause disease. Therefore, this variant is classified as likely benign.